The following is an entry in ClinVar:

ClinVar aggregate classification (germline): Benign. Review status: criteria provided, multiple submitters, no conflicts (2 of 4 stars). 4 submissions from 4 submitters: Benign (4). Last evaluated 2026-02-04.

Conditions:
Testosterone 17-beta-dehydrogenase deficiency. Also called: 17-beta hydroxysteroid dehydrogenase 3 deficiency; 17 alpha ketosteroid reductase deficiency of testis; 17 alpha KSR deficiency; Neutral 17 beta hydroxysteroid oxidoreductase deficiency; Male pseudoherma-phroditism with gynecomastia; 46,XY disorder of sex development due to 17-beta-hydroxysteroid dehydrogenase 3 deficiency. Identifiers: Orphanet 752, MedGen C0268296, MONDO:0009916, OMIM 264300. Disease mechanism: loss of function.

Allele frequency attached by ClinVar (database versions not stated): ESP Exome Variant Server 0.00815; gnomAD 0.01154; TOPMed 0.01306; gnomAD exomes 0.01773; ExAC 0.01902; 1000 Genomes Project 30x 0.02530; 1000 Genomes Project 0.02716.
gnomAD v4.1: 19,052 of 1,614,124 alleles (1.2%); highest among the groups gnomAD compares: South Asian, 6%; 352 homozygotes.

Submissions (4):

Labcorp Genetics (formerly Invitae), Labcorp
Classification: Benign. Last evaluated: 2026-02-04. Review status: criteria provided, single submitter. Criteria: Invitae Variant Classification Sherloc (09022015). Collection method: clinical testing. Allele origin: germline.

GeneDx
Classification: Benign. Last evaluated: 2018-09-04. Review status: criteria provided, single submitter. Criteria: GeneDx Variant Classification Process June 2021. Collection method: clinical testing. Allele origin: germline. Affected: yes.

Illumina Laboratory Services, Illumina
Classification: Benign for Testosterone 17-beta-dehydrogenase deficiency. Last evaluated: 2018-01-13. Review status: criteria provided, single submitter. Criteria: ICSL Variant Classification Criteria 13 December 2019. Collection method: clinical testing. Allele origin: germline.
Comment: This variant was observed in the ICSL laboratory as part of a predisposition screen in an ostensibly healthy population. It had not been previously curated by ICSL or reported in the Human Gene Mutation Database (HGMD: prior to June 1st, 2018), and was therefore a candidate for classification through an automated scoring system. Utilizing variant allele frequency, disease prevalence and penetrance estimates, and inheritance mode, an automated score was calculated to assess if this variant is too frequent to cause the disease. Based on the score and internal cut-off values, a variant classified as benign is not then subjected to further curation. The score for this variant resulted in a classification of benign for this disease.

Breakthrough Genomics
Classification: Benign. Review status: criteria provided, single submitter. Criteria: ACMG Guidelines, 2015. Collection method: not provided. Allele origin: germline. Inheritance: Autosomal recessive inheritance. Affected: yes.

NM_000197.2(HSD17B3):c.91G>A (p.Val31Ile)

Genes: SLC35D2-HSD17B3 (SLC35D2-HSD17B3 readthrough; minus strand), HSD17B3 (hydroxysteroid 17-beta dehydrogenase 3; minus strand). Cytogenetic location: 9q22.32.
Variant type: single nucleotide variant.
Coding change: c.91G>A on transcript NM_000197.2 (MANE Select); coding-DNA position 91, G replaced by A.
Protein change: p.Val31Ile; replaces valine 31 with isoleucine.
Molecular consequence: missense variant.
Genome position (GRCh38, 1-based): chr9:96,302,014, C>T on the plus strand (G>A on the coding strand, the complement: HSD17B3 is on the minus strand). VCF-style: chr9-96302014-C-T. GRCh37 (hg19) VCF-style: chr9-99064296-C-T.
Other names: short protein forms V31I.
Identifiers: ClinVar variation 367684 (VCV000367684.14), dbSNP rs2066480, ClinGen allele CA5140553.